The following is an entry in ClinVar:

NM_020921.4(NIN):c.3736C>G (p.Pro1246Ala)

Gene: NIN (ninein; minus strand). Cytogenetic location: 14q22.1.
Variant type: single nucleotide variant.
Coding change: c.3736C>G on transcript NM_020921.4 (MANE Select); coding-DNA position 3736, C replaced by G.
Protein change: p.Pro1246Ala; replaces proline 1246 with alanine.
Molecular consequence: missense variant. On other transcripts: intron variant (1).
Genome position (GRCh38, 1-based): chr14:50,757,294, G>C on the plus strand (C>G on the coding strand, the complement: NIN is on the minus strand). VCF-style: chr14-50757294-G-C. GRCh37 (hg19) VCF-style: chr14-51224012-G-C.
Other names: c.3736C>G, p.Pro1246Ala (NM_182944.3, NM_182946.2); c.2400-2427C>G (NM_016350.5); short protein forms P1246A.
Identifiers: ClinVar variation 2618279 (VCV002618279.4), dbSNP rs2505816161, ClinGen allele CA389696144.

ClinVar aggregate classification (germline): Uncertain significance. Review status: criteria provided, multiple submitters, no conflicts (2 of 4 stars). 2 submissions from 2 submitters: Uncertain significance (2). Last evaluated 2024-11-19.

Submissions (2):

Labcorp Genetics (formerly Invitae), Labcorp
Classification: Uncertain significance. Last evaluated: 2024-11-19. Review status: criteria provided, single submitter. Criteria: Invitae Variant Classification Sherloc (09022015). Collection method: clinical testing. Allele origin: germline.
Comment: This sequence change replaces proline, which is neutral and non-polar, with alanine, which is neutral and non-polar, at codon 1246 of the NIN protein (p.Pro1246Ala). This variant is not present in population databases (gnomAD no frequency). This variant has not been reported in the literature in individuals affected with NIN-related conditions. ClinVar contains an entry for this variant (Variation ID: 2618279). An algorithm developed to predict the effect of missense changes on protein structure and function outputs the following: PolyPhen-2: "Benign". The alanine amino acid residue is found in multiple mammalian species, which suggests that this missense change does not adversely affect protein function. In summary, the available evidence is currently insufficient to determine the role of this variant in disease. Therefore, it has been classified as a Variant of Uncertain Significance.

Ambry Genetics
Classification: Uncertain significance. Last evaluated: 2023-08-14. Review status: criteria provided, single submitter. Criteria: Ambry Variant Classification Scheme 2023. Collection method: clinical testing. Allele origin: germline.